The following is an entry in ClinVar:

ClinVar aggregate classification (germline): Pathogenic (1 of 4 stars; one submission).

Conditions:
Hereditary cancer-predisposing syndrome. Also called: Neoplastic Syndromes, Hereditary; Tumor predisposition; Hereditary neoplastic syndrome; Hereditary Cancer Syndrome. Identifiers: Orphanet 140162, MedGen C0027672, MeSH D009386, MONDO:0015356.

Submission:

Ambry Genetics
Classification: Pathogenic for Hereditary cancer-predisposing syndrome. Last evaluated: 2023-03-01. Review status: criteria provided, single submitter. Criteria: Ambry Variant Classification Scheme 2023. Collection method: clinical testing. Allele origin: germline.
Comment: The c.190_196delCAGCCCAins12 variant, located in coding exon 1 of the MEN1 gene, results from the deletion of 7 nucleotides and insertion of 12 nucleotides (AAGCCCAGCCCC) causing a translational frameshift with a predicted alternate stop codon (p.Q64Kfs*57). This alteration has been observed in at least one individual with a personal and/or family history that is consistent with MEN1-related disease (Ambry internal data). This alteration is expected to result in loss of function by premature protein truncation or nonsense-mediated mRNA decay. This variant is considered to be rare based on population cohorts in the Genome Aggregation Database (gnomAD). As such, this alteration is interpreted as a disease-causing mutation.

NM_001370259.2(MEN1):c.190_196delinsAAGCCCAGCCCC (p.Gln64fs)

Gene: MEN1 (menin 1; minus strand). Cytogenetic location: 11q13.1.
Variant type: Indel.
Coding change: c.190_196delinsAAGCCCAGCCCC on transcript NM_001370259.2 (MANE Select); coding-DNA positions 190 to 196, CAGCCCA replaced by AAGCCCAGCCCC.
Protein change: p.Gln64fs; shifts the reading frame from glutamine 64.
Molecular consequence: frameshift variant. On other transcripts: non-coding transcript variant (4).
Genome position (GRCh38, 1-based): chr11:64,809,914-64,809,920, TGGGCTG replaced by GGGGCTGGGCTT on the plus strand (CAGCCCA replaced by AAGCCCAGCCCC on the coding strand, the reverse complement: MEN1 is on the minus strand). VCF-style: chr11-64809914-TGGGCTG-GGGGCTGGGCTT. GRCh37 (hg19) VCF-style: chr11-64577386-TGGGCTG-GGGGCTGGGCTT.
Other names: c.190_196delinsAAGCCCAGCCCC, p.Gln64fs (NM_000244.4, NM_001370251.2, NM_001370260.2 and 20 more transcripts); short protein forms Q64fs.
Identifiers: ClinVar variation 2450240 (VCV002450240.2), dbSNP rs2497278194, ClinGen allele CA2580084436.